The following is an entry in ClinVar:

ClinVar aggregate classification (germline): Uncertain significance (1 of 4 stars; one submission).

gnomAD v4.1: 28 of 1,609,810 alleles (0.0017%); highest among the groups gnomAD compares: East Asian, 0.0022%; no homozygotes.

Submission:

Labcorp Genetics (formerly Invitae), Labcorp
Classification: Uncertain significance. Last evaluated: 2025-04-30. Review status: criteria provided, single submitter. Criteria: Invitae Variant Classification Sherloc (09022015). Collection method: clinical testing. Allele origin: germline.
Comment: This sequence change replaces threonine, which is neutral and polar, with methionine, which is neutral and non-polar, at codon 229 of the RELA protein (p.Thr229Met). This variant is present in population databases (rs756811835, gnomAD 0.005%). This variant has not been reported in the literature in individuals affected with RELA-related conditions. ClinVar contains an entry for this variant (Variation ID: 3610887). An algorithm developed to predict the effect of missense changes on protein structure and function (PolyPhen-2) suggests that this variant is likely to be disruptive. In summary, the available evidence is currently insufficient to determine the role of this variant in disease. Therefore, it has been classified as a Variant of Uncertain Significance.

NM_021975.4(RELA):c.686C>T (p.Thr229Met)

Gene: RELA (RELA proto-oncogene, NF-kB subunit; minus strand). Cytogenetic location: 11q13.1.
Variant type: single nucleotide variant.
Coding change: c.686C>T on transcript NM_021975.4 (MANE Select); coding-DNA position 686, C replaced by T.
Protein change: p.Thr229Met; replaces threonine 229 with methionine.
Molecular consequence: missense variant. On other transcripts: intron variant (2).
Genome position (GRCh38, 1-based): chr11:65,658,478, G>A on the plus strand (C>T on the coding strand, the complement: RELA is on the minus strand). VCF-style: chr11-65658478-G-A. GRCh37 (hg19) VCF-style: chr11-65425949-G-A.
Other names: c.677C>T, p.Thr226Met (NM_001145138.2); c.686C>T, p.Thr229Met (NM_001243984.2, NM_001243985.2); c.719C>T, p.Thr240Met (NM_001404657.1); c.659C>T, p.Thr220Met (NM_001404658.1); c.305C>T, p.Thr102Met (NM_001404661.1); c.593C>T, p.Thr198Met (NM_001404662.1, NM_001404663.1); c.559+1188C>T (NM_001404660.1); c.664+240C>T (NM_001404659.1); short protein forms T102M, T198M, T220M, T226M, T229M, T240M.
Identifiers: ClinVar variation 3610887 (VCV003610887.2).